The following is an entry in ClinVar:

ClinVar aggregate classification (germline): Uncertain significance. Review status: criteria provided, single submitter (1 of 4 stars). 2 submissions from 2 submitters: Uncertain significance (1). 1 of the submissions does not count toward it. Last evaluated 2019-09-05.

Conditions:
Prostate cancer, hereditary, 1 (HPC1). Identifiers: Orphanet 1331, MedGen C4722327, MONDO:0011098, OMIM 601518.

Allele frequency attached by ClinVar (database versions not stated): gnomAD exomes below 0.00001.

Submissions (2):

Labcorp Genetics (formerly Invitae), Labcorp
Classification: Uncertain significance. Last evaluated: 2019-09-05. Review status: criteria provided, single submitter. Criteria: Invitae Variant Classification Sherloc (09022015). Collection method: clinical testing. Allele origin: germline.
Comment: This variant is not present in population databases (ExAC no frequency). In summary, the available evidence is currently insufficient to determine the role of this variant in disease. Therefore, it has been classified as a Variant of Uncertain Significance. Algorithms developed to predict the effect of missense changes on protein structure and function (SIFT, PolyPhen-2, Align-GVGD) all suggest that this variant is likely to be tolerated, but these predictions have not been confirmed by published functional studies and their clinical significance is uncertain. This variant has not been reported in the literature in individuals with HOXB13-related conditions. This sequence change replaces alanine with aspartic acid at codon 12 of the HOXB13 protein (p.Ala12Asp). The alanine residue is moderately conserved and there is a moderate physicochemical difference between alanine and aspartic acid.

Laboratory of Virology, Microbiology,  Quality and Medical Biotechnologies, Faculty of Sciences and Techniques - Mohammedia, Hassan II University of Casablanca
Classification: Uncertain significance for Prostate cancer, hereditary, 1. Review status: no assertion criteria provided. Collection method: clinical testing. Allele origin: somatic. Affected: yes. Not counted in ClinVar's aggregate classification.

NM_006361.6(HOXB13):c.35C>A (p.Ala12Asp)

Gene: HOXB13 (homeobox B13; minus strand). Cytogenetic location: 17q21.32.
Variant type: single nucleotide variant.
Coding change: c.35C>A on transcript NM_006361.6 (MANE Select); coding-DNA position 35, C replaced by A.
Protein change: p.Ala12Asp; replaces alanine 12 with aspartic acid.
Molecular consequence: missense variant.
Genome position (GRCh38, 1-based): chr17:48,728,559, G>T on the plus strand (C>A on the coding strand, the complement: HOXB13 is on the minus strand). VCF-style: chr17-48728559-G-T. GRCh37 (hg19) VCF-style: chr17-46805921-G-T.
Other names: short protein forms A12D.
Identifiers: ClinVar variation 690724 (VCV000690724.11), dbSNP rs1597935311, ClinGen allele CA400109846.